The following is an entry in ClinVar:

ClinVar aggregate classification (germline): Conflicting classifications of pathogenicity. Review status: criteria provided, conflicting classifications (1 of 4 stars). 7 submissions from 7 submitters: Uncertain significance (1); Benign (1); Likely benign (2). 3 of the submissions do not count toward it. Last evaluated 2025-12-25.

Conditions:
PNPLA6-related disorder. Also called: PNPLA6-related condition; PNPLA6-related disorders.
Hereditary spastic paraplegia 39 (SPG39). Also called: SPASTIC PARAPLEGIA 39, AUTOSOMAL RECESSIVE; Spastic Paraplegia Type 39 (SPG39). Identifiers: Orphanet 139480, MedGen C2677586, MONDO:0012787, OMIM 612020.

Allele frequency attached by ClinVar (database versions not stated): gnomAD exomes 0.00029 and 0.00066; gnomAD 0.00036 and 0.00039; 1000 Genomes Project 0.00040; 1000 Genomes Project 30x 0.00047; TOPMed 0.00070; ExAC 0.00109.
gnomAD v4.1: 503 of 1,588,022 alleles (0.032%); highest among the groups gnomAD compares: Middle Eastern, 0.28%; 1 homozygote.

Submissions (7):

Labcorp Genetics (formerly Invitae), Labcorp
Classification: Benign for Hereditary spastic paraplegia 39. Last evaluated: 2025-12-25. Review status: criteria provided, single submitter. Criteria: Invitae Variant Classification Sherloc (09022015). Collection method: clinical testing. Allele origin: germline.

CeGaT Center for Human Genetics Tuebingen
Classification: Likely benign. Last evaluated: 2025-08-01. Review status: criteria provided, single submitter. Criteria: CeGaT Center For Human Genetics Tuebingen Variant Classification Criteria Version 2. Collection method: clinical testing. Allele origin: germline. Affected: yes. Observed: 3 variant alleles.
Comment: PNPLA6: BP4, BP7

Blueprint Genetics
Classification: Likely benign. Last evaluated: 2024-11-28. Review status: criteria provided, single submitter. Criteria: ACMG Guidelines, 2015. Collection method: clinical testing. Allele origin: germline.

Illumina Laboratory Services, Illumina
Classification: Uncertain significance for Hereditary spastic paraplegia 39. Last evaluated: 2018-01-13. Review status: criteria provided, single submitter. Criteria: ICSL Variant Classification Criteria 13 December 2019. Collection method: clinical testing. Allele origin: germline.

PreventionGenetics, part of Exact Sciences
Classification: Likely benign for PNPLA6-related condition. Last evaluated: 2019-03-18. Review status: no assertion criteria provided. Collection method: clinical testing. Allele origin: germline. Not counted in ClinVar's aggregate classification.
Comment: This variant is classified as likely benign based on ACMG/AMP sequence variant interpretation guidelines (Richards et al. 2015 PMID: 25741868, with internal and published modifications).

Clinical Genetics DNA and cytogenetics Diagnostics Lab, Erasmus MC, Erasmus Medical Center
Classification: Likely benign. Review status: no assertion criteria provided. Collection method: clinical testing. Allele origin: germline. Affected: yes. Study: VKGL Data-share Consensus. Not counted in ClinVar's aggregate classification.

Clinical Genetics, Academic Medical Center
Classification: Benign. Review status: no assertion criteria provided. Collection method: clinical testing. Allele origin: germline. Affected: yes. Study: VKGL Data-share Consensus. Not counted in ClinVar's aggregate classification.

NM_001166114.2(PNPLA6):c.162C>T (p.Ile54=)

Gene: PNPLA6 (patatin like domain 6, lysophospholipase; plus strand). Cytogenetic location: 19p13.2.
Variant type: single nucleotide variant.
Coding change: c.162C>T on transcript NM_001166114.2 (MANE Select); coding-DNA position 162, C replaced by T.
Protein change: p.Ile54=; no amino-acid change (isoleucine 54 retained).
Molecular consequence: synonymous variant.
Genome position (GRCh38, 1-based): chr19:7,535,950, C>T. VCF-style: chr19-7535950-C-T. GRCh37 (hg19) VCF-style: chr19-7600836-C-T.
Other names: c.189C>T (NM_001166111.1); c.189C>T, p.Ile63= (NM_001166111.2); c.45C>T, p.Ile15= (NM_001166112.2, NM_001166113.1, NM_006702.5).
Identifiers: ClinVar variation 240702 (VCV000240702.42), dbSNP rs200310048, ClinGen allele CA9139347.
Genomic context (GRCh38, chr19:7,535,950, plus strand): 5'-GGGACGGATTTGCGGTGCGCAGCCAGTGCCGTTCGTCCCTCAGGTGCTTGGCGTGATGAT[C>T]GGGGCCGGAGTGGCGGTGGTGGTCACGGCCGTGCTCATCCTCCTGGTGGTGCGGAGGCTG-3'
Protein context (NP_001159586.1, residues 44-64): PFVPQVLGVM[Ile54=]GAGVAVVVTA